The following is an entry in ClinVar:

ClinVar aggregate classification (germline): Benign (1 of 4 stars; one submission).

Allele frequency attached by ClinVar (database versions not stated): 1000 Genomes Project 0.31270; 1000 Genomes Project 30x 0.31871; gnomAD 0.31968 and 0.32428; TOPMed 0.33783.
gnomAD v4.1: 48,624 of 152,112 alleles (32%); highest among the groups gnomAD compares: African/African-American, 42%; 8,247 homozygotes.

Submission:

GeneDx
Classification: Benign. Last evaluated: 2020-11-02. Review status: criteria provided, single submitter. Criteria: GeneDx Variant Classification Process June 2021. Collection method: clinical testing. Allele origin: germline. Affected: yes.
Comment: This variant is associated with the following publications: (PMID: 25755013)

NM_003356.4(UCP3):c.824+533C>T

Gene: UCP3 (uncoupling protein 3; minus strand). Cytogenetic location: 11q13.4.
Variant type: single nucleotide variant.
Coding change: c.824+533C>T on transcript NM_003356.4 (MANE Select); 533 bases into the intron after coding-DNA position 824, C replaced by T.
Molecular consequence: intron variant. On other transcripts: 3 prime UTR variant (1).
Genome position (GRCh38, 1-based): chr11:74,003,294, G>A on the plus strand (C>T on the coding strand, the complement: UCP3 is on the minus strand). VCF-style: chr11-74003294-G-A. GRCh37 (hg19) VCF-style: chr11-73714339-G-A.
Other names: c.*529C>T (NM_022803.3).
Identifiers: ClinVar variation 1277754 (VCV001277754.1), dbSNP rs1626521, ClinGen allele CA15685934.